The following is an entry in ClinVar:

NM_000122.2(ERCC3):c.655G>A (p.Ala219Thr)

Gene: ERCC3 (ERCC excision repair 3, TFIIH core complex helicase subunit; minus strand). Cytogenetic location: 2q14.3.
Variant type: single nucleotide variant.
Coding change: c.655G>A on transcript NM_000122.2 (MANE Select); coding-DNA position 655, G replaced by A.
Protein change: p.Ala219Thr; replaces alanine 219 with threonine.
Molecular consequence: missense variant.
Genome position (GRCh38, 1-based): chr2:127,289,691, C>T on the plus strand (G>A on the coding strand, the complement: ERCC3 is on the minus strand). VCF-style: chr2-127289691-C-T. GRCh37 (hg19) VCF-style: chr2-128047267-C-T.
Other names: c.463G>A, p.Ala155Thr (NM_001303416.2, NM_001303418.2); short protein forms A219T, A155T.
Identifiers: ClinVar variation 1471746 (VCV001471746.3), dbSNP rs374275821, ClinGen allele CA1858488.

ClinVar aggregate classification (germline): Uncertain significance (1 of 4 stars; one submission).

Allele frequency attached by ClinVar (database versions not stated): gnomAD exomes below 0.00001; ExAC 0.00001; gnomAD 0.00001; ESP Exome Variant Server 0.00008.
gnomAD v4.1: 1 of 1,614,044 alleles (0.000062%); highest among the groups gnomAD compares: Admixed American, 0.0017%; no homozygotes.

Submission:

Labcorp Genetics (formerly Invitae), Labcorp
Classification: Uncertain significance. Last evaluated: 2022-02-25. Review status: criteria provided, single submitter. Criteria: Invitae Variant Classification Sherloc (09022015). Collection method: clinical testing. Allele origin: germline.
Comment: This sequence change replaces alanine, which is neutral and non-polar, with threonine, which is neutral and polar, at codon 219 of the ERCC3 protein (p.Ala219Thr). This variant is present in population databases (rs374275821, gnomAD 0.0009%). This variant has not been reported in the literature in individuals affected with ERCC3-related conditions. Algorithms developed to predict the effect of missense changes on protein structure and function are either unavailable or do not agree on the potential impact of this missense change (SIFT: "Deleterious"; PolyPhen-2: "Benign"; Align-GVGD: "Class C0"). In summary, the available evidence is currently insufficient to determine the role of this variant in disease. Therefore, it has been classified as a Variant of Uncertain Significance.